The following is an entry in ClinVar:

NM_005228.5(EGFR):c.2996G>C (p.Arg999Pro)

Gene: EGFR (epidermal growth factor receptor; plus strand). Cytogenetic location: 7p11.2.
Variant type: single nucleotide variant.
Coding change: c.2996G>C on transcript NM_005228.5 (MANE Select); coding-DNA position 2996, G replaced by C.
Protein change: p.Arg999Pro; replaces arginine 999 with proline.
Molecular consequence: missense variant.
Genome position (GRCh38, 1-based): chr7:55,201,237, G>C. VCF-style: chr7-55201237-G-C. GRCh37 (hg19) VCF-style: chr7-55268930-G-C.
Other names: c.2861G>C, p.Arg954Pro (NM_001346897.2, NM_001346899.2); c.2996G>C, p.Arg999Pro (NM_001346898.2); c.2837G>C, p.Arg946Pro (NM_001346900.2); c.2195G>C, p.Arg732Pro (NM_001346941.2); short protein forms R732P, R946P, R999P, R954P.
Identifiers: ClinVar variation 4638290 (VCV004638290.1).
Genomic context (GRCh38, chr7:55,201,237, plus strand): 5'-CTCTGCACCAGGGGGATGAAAGAATGCATTTGCCAAGTCCTACAGACTCCAACTTCTACC[G>C]TGCCCTGATGGATGAAGAAGACATGGACGACGTGGTGGATGCCGACGAGTACCTCATCCC-3'
Protein context (NP_005219.2, residues 989-1009): LPSPTDSNFY[Arg999Pro]ALMDEEDMDD

ClinVar aggregate classification (germline): Uncertain significance (1 of 4 stars; one submission).

Conditions:
Hereditary cancer-predisposing syndrome. Also called: Neoplastic Syndromes, Hereditary; Tumor predisposition; Hereditary Cancer Syndrome; Hereditary neoplastic syndrome. Identifiers: Orphanet 140162, MedGen C0027672, MeSH D009386, MONDO:0015356.

Submission:

Ambry Genetics
Classification: Uncertain significance for Hereditary cancer-predisposing syndrome. Last evaluated: 2025-09-16. Review status: criteria provided, single submitter. Criteria: Ambry Variant Classification Scheme 2023. Collection method: clinical testing. Allele origin: germline.
Comment: The p.R999P variant (also known as c.2996G>C), located in coding exon 25 of the EGFR gene, results from a G to C substitution at nucleotide position 2996. The arginine at codon 999 is replaced by proline, an amino acid with dissimilar properties. This amino acid position is well conserved in available vertebrate species. In addition, this alteration is predicted to be tolerated by in silico analysis. Based on the available evidence, the clinical significance of this variant remains unclear.